The following is an entry in ClinVar:

ClinVar aggregate classification (germline): Likely benign (1 of 4 stars; one submission).

Submission:

CeGaT Center for Human Genetics Tuebingen
Classification: Likely benign. Last evaluated: 2025-09-01. Review status: criteria provided, single submitter. Criteria: CeGaT Center For Human Genetics Tuebingen Variant Classification Criteria Version 2. Collection method: clinical testing. Allele origin: germline. Affected: yes. Observed: 2 variant alleles.
Comment: FLG: BP4, BP7

NM_002016.2(FLG):c.2784A>G (p.Ala928=)

Genes: CCDST (cervical cancer associated DHX9 suppressive transcript; plus strand), FLG (filaggrin; minus strand). Cytogenetic location: 1q21.3.
Variant type: single nucleotide variant.
Coding change: c.2784A>G on transcript NM_002016.2 (MANE Select); coding-DNA position 2784, A replaced by G.
Protein change: p.Ala928=; no amino-acid change (alanine 928 retained).
Molecular consequence: synonymous variant.
Genome position (GRCh38, 1-based): chr1:152,312,102, T>C on the plus strand (A>G on the coding strand, the complement: FLG is on the minus strand). VCF-style: chr1-152312102-T-C. GRCh37 (hg19) VCF-style: chr1-152284578-T-C.
Identifiers: ClinVar variation 2639305 (VCV002639305.24), dbSNP rs770186441, ClinGen allele CA1106990.